The following is an entry in ClinVar:

ClinVar aggregate classification (germline): Likely benign (1 of 4 stars; one submission).

Submission:

CeGaT Center for Human Genetics Tuebingen
Classification: Likely benign. Last evaluated: 2026-07-01. Review status: criteria provided, single submitter. Criteria: CeGaT Center For Human Genetics Tuebingen Variant Classification Criteria Version 2. Collection method: clinical testing. Allele origin: germline. Affected: yes. Observed: 2 variant alleles.
Comment: AHNAK2: BP4, BP7

NM_138420.4(AHNAK2):c.2754A>G (p.Lys918=)

Gene: AHNAK2 (AHNAK nucleoprotein 2; minus strand). Cytogenetic location: 14q32.33.
Variant type: single nucleotide variant.
Coding change: c.2754A>G on transcript NM_138420.4 (MANE Select); coding-DNA position 2754, A replaced by G.
Protein change: p.Lys918=; no amino-acid change (lysine 918 retained).
Molecular consequence: synonymous variant.
Genome position (GRCh38, 1-based): chr14:104,952,697, T>C on the plus strand (A>G on the coding strand, the complement: AHNAK2 is on the minus strand). VCF-style: chr14-104952697-T-C. GRCh37 (hg19) VCF-style: chr14-105419034-T-C.
Other names: c.2454A>G, p.Lys818= (NM_001350929.2).
Identifiers: ClinVar variation 3388764 (VCV003388764.14).
Genomic context (GRCh38, chr14:104,952,697, plus strand): 5'-AACATCTATCTGGGGGCCCTTGAGGTCCACTTTGGGCATCTTGAAACTGGGCATCTCCAC[T>C]TTGGGCAGGTGCACTTTGGGGCCGGCTCCCTCGGGCACAGGGCCCTCCGGAAGTTTCACA-3'
Protein context (NP_612429.2, residues 908-928): EGAGPKVHLP[Lys918=]VEMPSFKMPK